The following is an entry in ClinVar:

ClinVar aggregate classification (germline): Likely benign (0 of 4 stars; one submission).

Conditions:
AGAP2-related disorder. Also called: AGAP2-related condition.

Allele frequency attached by ClinVar (database versions not stated): TOPMed 0.00019; ExAC 0.00046; gnomAD 0.00057; 1000 Genomes Project 30x 0.00250; 1000 Genomes Project 0.00319.
gnomAD v4.1: 1,716 of 1,608,898 alleles (0.11%); highest among the groups gnomAD compares: East Asian, 3.8%; 66 homozygotes.

Submission:

PreventionGenetics, part of Exact Sciences
Classification: Likely benign for AGAP2-related condition. Last evaluated: 2022-03-31. Review status: no assertion criteria provided. Collection method: clinical testing. Allele origin: germline.
Comment: This variant is classified as likely benign based on ACMG/AMP sequence variant interpretation guidelines (Richards et al. 2015 PMID: 25741868, with internal and published modifications).

NM_001122772.3(AGAP2):c.1519G>A (p.Gly507Ser)

Genes: AGAP2 (ArfGAP with GTPase domain, ankyrin repeat and PH domain 2; minus strand), LOC126861542 (CDK7 strongly-dependent group 2 enhancer GRCh37_chr12:58127413-58128612; plus strand). Cytogenetic location: 12q14.1.
Variant type: single nucleotide variant.
Coding change: c.1519G>A on transcript NM_001122772.3 (MANE Select); coding-DNA position 1519, G replaced by A.
Protein change: p.Gly507Ser; replaces glycine 507 with serine.
Molecular consequence: missense variant.
Genome position (GRCh38, 1-based): chr12:57,734,056, C>T on the plus strand (G>A on the coding strand, the complement: AGAP2 is on the minus strand). VCF-style: chr12-57734056-C-T. GRCh37 (hg19) VCF-style: chr12-58127839-C-T.
Other names: c.511G>A, p.Gly171Ser (NM_014770.4); short protein forms G171S, G507S.
Identifiers: ClinVar variation 3040495 (VCV003040495.2), dbSNP rs2301553, ClinGen allele CA6657086.